The following is an entry in ClinVar:

ClinVar aggregate classification (germline): Uncertain significance. Review status: criteria provided, multiple submitters, no conflicts (2 of 4 stars). 2 submissions from 2 submitters: Uncertain significance (2). Last evaluated 2026-06-06.

Conditions:
Cardiovascular phenotype. Identifiers: MedGen CN230736.
Arrhythmogenic right ventricular dysplasia 5. Also called: Arrhythmogenic Right Ventricular Dysplasia/Cardiomyopathy 5; ARRHYTHMOGENIC RIGHT VENTRICULAR DYSPLASIA, FAMILIAL, 5. Identifiers: MedGen C1858379, MONDO:0011459, OMIM 604400.

Allele frequency attached by ClinVar (database versions not stated): gnomAD 0.00001; ExAC 0.00001.

Submissions (2):

Ambry Genetics
Classification: Uncertain significance for Cardiovascular phenotype. Last evaluated: 2026-06-06. Review status: criteria provided, single submitter. Criteria: Ambry Variant Classification Scheme 2023. Collection method: clinical testing. Allele origin: germline.
Comment: The p.P183R variant (also known as c.548C>G), located in coding exon 7 of the TMEM43 gene, results from a C to G substitution at nucleotide position 548. The proline at codon 183 is replaced by arginine, an amino acid with dissimilar properties. This amino acid position is conserved. In addition, the in silico prediction for this alteration is inconclusive. Based on the available evidence, the clinical significance of this variant remains unclear.

Labcorp Genetics (formerly Invitae), Labcorp
Classification: Uncertain significance for Arrhythmogenic right ventricular dysplasia 5. Last evaluated: 2022-07-19. Review status: criteria provided, single submitter. Criteria: Invitae Variant Classification Sherloc (09022015). Collection method: clinical testing. Allele origin: germline.
Comment: Algorithms developed to predict the effect of missense changes on protein structure and function are either unavailable or do not agree on the potential impact of this missense change (SIFT: "Deleterious"; PolyPhen-2: "Benign"; Align-GVGD: "Class C0"). In summary, the available evidence is currently insufficient to determine the role of this variant in disease. Therefore, it has been classified as a Variant of Uncertain Significance. ClinVar contains an entry for this variant (Variation ID: 1413976). This variant has not been reported in the literature in individuals affected with TMEM43-related conditions. This variant is present in population databases (rs746116143, gnomAD 0.003%). This sequence change replaces proline, which is neutral and non-polar, with arginine, which is basic and polar, at codon 183 of the TMEM43 protein (p.Pro183Arg).

NM_024334.3(TMEM43):c.548C>G (p.Pro183Arg)

Gene: TMEM43 (transmembrane protein 43; plus strand). Cytogenetic location: 3p25.1.
Variant type: single nucleotide variant.
Coding change: c.548C>G on transcript NM_024334.3 (MANE Select); coding-DNA position 548, C replaced by G.
Protein change: p.Pro183Arg; replaces proline 183 with arginine.
Molecular consequence: missense variant.
Genome position (GRCh38, 1-based): chr3:14,133,774, C>G. VCF-style: chr3-14133774-C-G. GRCh37 (hg19) VCF-style: chr3-14175274-C-G.
Other names: c.548C>G (NM_024334.2); short protein forms P183R.
Identifiers: ClinVar variation 1413976 (VCV001413976.9), dbSNP rs746116143, ClinGen allele CA054326.